The following is an entry in ClinVar:

ClinVar aggregate classification (germline): Uncertain significance (1 of 4 stars; one submission).

gnomAD v4.1: 1 of 1,209,139 alleles (0.000083%); highest among the groups gnomAD compares: Non-Finnish European, 0.00011%; no homozygotes.

Submission:

Labcorp Genetics (formerly Invitae), Labcorp
Classification: Uncertain significance. Last evaluated: 2024-12-18. Review status: criteria provided, single submitter. Criteria: Invitae Variant Classification Sherloc (09022015). Collection method: clinical testing. Allele origin: germline.
Comment: This sequence change replaces lysine, which is basic and polar, with glutamine, which is neutral and polar, at codon 1168 of the COL4A5 protein (p.Lys1168Gln). This variant is not present in population databases (gnomAD no frequency). This variant has not been reported in the literature in individuals affected with COL4A5-related conditions. Invitae Evidence Modeling of protein sequence and biophysical properties (such as structural, functional, and spatial information, amino acid conservation, physicochemical variation, residue mobility, and thermodynamic stability) indicates that this missense variant is not expected to disrupt COL4A5 protein function with a negative predictive value of 95%. In summary, the available evidence is currently insufficient to determine the role of this variant in disease. Therefore, it has been classified as a Variant of Uncertain Significance.

NM_033380.3(COL4A5):c.3502A>C (p.Lys1168Gln)

Gene: COL4A5 (collagen type IV alpha 5 chain; plus strand). Cytogenetic location: Xq22.3.
Variant type: single nucleotide variant.
Coding change: c.3502A>C on transcript NM_033380.3 (MANE Select); coding-DNA position 3502, A replaced by C.
Protein change: p.Lys1168Gln; replaces lysine 1168 with glutamine.
Molecular consequence: missense variant.
Genome position (GRCh38, 1-based): chrX:108,666,543, A>C. VCF-style: chrX-108666543-A-C. GRCh37 (hg19) VCF-style: chrX-107909773-A-C.
Other names: c.3502A>C, p.Lys1168Gln (NM_000495.5); short protein forms K1168Q.
Identifiers: ClinVar variation 3636329 (VCV003636329.2).
Genomic context (GRCh38, chrX:108,666,543, plus strand): 5'-CTCAATTTTTTAGGTGGTGGAGGTCATCCTGGGCAACCAGGGCCTCCAGGCGAAAAAGGC[A>C]AACCCGGTCAAGATGGTATTCCTGGACCAGCTGGACAGAAGGGTGAACCAGGTGCTGTAG-3'
Protein context (NP_203699.1, residues 1158-1178): GQPGPPGEKG[Lys1168Gln]PGQDGIPGPA